The following is an entry in ClinVar:

NM_000276.4(OCRL):c.620G>A (p.Arg207Gln)

Gene: OCRL (OCRL inositol polyphosphate-5-phosphatase; plus strand). Cytogenetic location: Xq26.1.
Variant type: single nucleotide variant.
Coding change: c.620G>A on transcript NM_000276.4 (MANE Select); coding-DNA position 620, G replaced by A.
Protein change: p.Arg207Gln; replaces arginine 207 with glutamine.
Molecular consequence: missense variant.
Genome position (GRCh38, 1-based): chrX:129,558,899, G>A. VCF-style: chrX-129558899-G-A. GRCh37 (hg19) VCF-style: chrX-128692876-G-A.
Other names: c.623G>A, p.Arg208Gln (NM_001318784.2); c.620G>A, p.Arg207Gln (NM_001587.4); short protein forms R207Q, R208Q.
Identifiers: ClinVar variation 4752579 (VCV004752579.1).

ClinVar aggregate classification (germline): Uncertain significance (1 of 4 stars; one submission).

Conditions:
Lowe syndrome (OCRL). Also called: LOWE OCULOCEREBRORENAL SYNDROME; PHOSPHATIDYLINOSITOL 4,5-BISPHOSPHATE 5-PHOSPHATASE DEFICIENCY; Oculocerebrorenal Syndrome. Identifiers: Orphanet 534, MedGen C0028860, MONDO:0010645, OMIM 309000.

Submission:

Labcorp Genetics (formerly Invitae), Labcorp
Classification: Uncertain significance for Lowe syndrome. Last evaluated: 2025-06-15. Review status: criteria provided, single submitter. Criteria: Invitae Variant Classification Sherloc (09022015). Collection method: clinical testing. Allele origin: germline.
Comment: This sequence change replaces arginine, which is basic and polar, with glutamine, which is neutral and polar, at codon 207 of the OCRL protein (p.Arg207Gln). This variant is present in population databases (rs781782723, gnomAD 0.005%). This variant has not been reported in the literature in individuals affected with OCRL-related conditions. Invitae Evidence Modeling of protein sequence and biophysical properties (such as structural, functional, and spatial information, amino acid conservation, physicochemical variation, residue mobility, and thermodynamic stability) indicates that this missense variant is not expected to disrupt OCRL protein function with a negative predictive value of 80%. In summary, the available evidence is currently insufficient to determine the role of this variant in disease. Therefore, it has been classified as a Variant of Uncertain Significance.